The following is an entry in ClinVar:

ClinVar aggregate classification (germline): Likely benign (0 of 4 stars; one submission).

Conditions:
ABCA12-related disorder. Also called: ABCA12-related condition.

gnomAD v4.1: 2 of 1,613,888 alleles (0.00012%); highest among the groups gnomAD compares: Non-Finnish European, 0.000085%; no homozygotes.

Submission:

PreventionGenetics, part of Exact Sciences
Classification: Likely benign for ABCA12-related condition. Last evaluated: 2022-08-07. Review status: no assertion criteria provided. Collection method: clinical testing. Allele origin: germline.
Comment: This variant is classified as likely benign based on ACMG/AMP sequence variant interpretation guidelines (Richards et al. 2015 PMID: 25741868, with internal and published modifications).

NM_173076.3(ABCA12):c.7134C>T (p.His2378=)

Genes: ABCA12 (ATP binding cassette subfamily A member 12; minus strand), SNHG31 (small nucleolar RNA host gene 31; plus strand). Cytogenetic location: 2q35.
Variant type: single nucleotide variant.
Coding change: c.7134C>T on transcript NM_173076.3 (MANE Select); coding-DNA position 7134, C replaced by T.
Protein change: p.His2378=; no amino-acid change (histidine 2378 retained).
Molecular consequence: synonymous variant. On other transcripts: non-coding transcript variant (1).
Genome position (GRCh38, 1-based): chr2:214,947,527, G>A on the plus strand (C>T on the coding strand, the complement: ABCA12 is on the minus strand). VCF-style: chr2-214947527-G-A. GRCh37 (hg19) VCF-style: chr2-215812251-G-A.
Other names: c.6180C>T, p.His2060= (NM_015657.4).
Identifiers: ClinVar variation 3044228 (VCV003044228.2), dbSNP rs760482242, ClinGen allele CA431319841.